The following is an entry in ClinVar:

ClinVar aggregate classification (germline): Uncertain significance (1 of 4 stars; one submission).

gnomAD v4.1: 1 of 1,614,108 alleles (0.000062%); highest among the groups gnomAD compares: African/African-American, 0.0013%; no homozygotes.

Submission:

GeneDx
Classification: Uncertain significance. Last evaluated: 2024-12-13. Review status: criteria provided, single submitter. Criteria: GeneDx Variant Classification Process June 2021. Collection method: clinical testing. Allele origin: germline. Affected: yes.
Comment: Not observed at significant frequency in large population cohorts (gnomAD); In silico analysis supports that this missense variant has a deleterious effect on protein structure/function; Has not been previously published as pathogenic or benign to our knowledge

NM_001130438.3(SPTAN1):c.367C>G (p.Arg123Gly)

Gene: SPTAN1 (spectrin alpha, non-erythrocytic 1; plus strand). Cytogenetic location: 9q34.11.
Variant type: single nucleotide variant.
Coding change: c.367C>G on transcript NM_001130438.3 (MANE Select); coding-DNA position 367, C replaced by G.
Protein change: p.Arg123Gly; replaces arginine 123 with glycine.
Molecular consequence: missense variant.
Genome position (GRCh38, 1-based): chr9:128,574,678, C>G. VCF-style: chr9-128574678-C-G. GRCh37 (hg19) VCF-style: chr9-131336957-C-G.
Other names: c.367C>G, p.Arg123Gly (NM_001195532.2, NM_001363759.2, NM_001363765.2 and 5 more transcripts); c.403C>G, p.Arg135Gly (NM_001375312.2, NM_001375318.1); short protein forms R123G, R135G.
Identifiers: ClinVar variation 2136250 (VCV002136250.2), dbSNP rs769857503, ClinGen allele CA375052401.